The following is an entry in ClinVar:

ClinVar aggregate classification (germline): Pathogenic (1 of 4 stars; one submission).

Conditions:
DICER1-related tumor predisposition. Also called: DICER1-related pleuropulmonary blastoma cancer predisposition syndrome; DICER1 syndrome. Identifiers: Orphanet 284343, MedGen C3839822, MONDO:0100216.

Submission:

Labcorp Genetics (formerly Invitae), Labcorp
Classification: Pathogenic for DICER1-related tumor predisposition. Last evaluated: 2017-04-04. Review status: criteria provided, single submitter. Criteria: Invitae Variant Classification Sherloc (09022015). Collection method: clinical testing. Allele origin: germline.
Comment: For these reasons, this variant has been classified as Pathogenic. While this particular variant has not been reported in the literature, loss-of-function variants in DICER1 are known to be pathogenic (PMID: 19556464, 21266384). This sequence change inserts 2 nucleotides in exon 3 of the DICER1 mRNA (c.282_283dupAA), causing a frameshift at codon 95. This creates a premature translational stop signal (p.Arg95Lysfs*34) and is expected to result in an absent or disrupted protein product.

Literature cited by the submitters: PubMed 19556464; PubMed 21266384.

NM_177438.3(DICER1):c.282_283dup (p.Arg95fs)

Gene: DICER1 (dicer 1, ribonuclease III; minus strand). Cytogenetic location: 14q32.13.
Variant type: Duplication.
Coding change: c.282_283dup on transcript NM_177438.3 (MANE Select); coding-DNA positions 282 to 283, 2 bases duplicated (AA; older notation c.282_283dupAA).
Protein change: p.Arg95fs; shifts the reading frame from arginine 95.
Molecular consequence: frameshift variant.
Genome position (GRCh38, 1-based): chr14:95,132,539-95,132,540, TT duplicated on the plus strand (AA on the coding strand, the reverse complement: DICER1 is on the minus strand); duplicating any 2 consecutive bases within chr14:95,132,539-95,132,543 gives the same sequence; the c. name uses the placement nearest the transcript's 3' end. VCF-style (leftmost placement, unchanged base first): chr14-95132538-C-CTT. GRCh37 (hg19) VCF-style: chr14-95598875-C-CTT.
Other names: c.282_283dupAA (NM_177438.2); c.282_283dup, p.Arg95fs (NM_001195573.1, NM_001271282.3, NM_001291628.2 and 1 more transcripts); short protein forms R95fs.
Identifiers: ClinVar variation 477120 (VCV000477120.8), dbSNP rs1555376368, ClinGen allele CA658658272.